The following is an entry in ClinVar:

NM_001927.4(DES):c.893C>T (p.Ser298Leu)

Gene: DES (desmin; plus strand). Cytogenetic location: 2q35.
Variant type: single nucleotide variant.
Coding change: c.893C>T on transcript NM_001927.4 (MANE Select); coding-DNA position 893, C replaced by T.
Protein change: p.Ser298Leu; replaces serine 298 with leucine.
Molecular consequence: missense variant.
Genome position (GRCh38, 1-based): chr2:219,420,652, C>T. VCF-style: chr2-219420652-C-T. GRCh37 (hg19) VCF-style: chr2-220285374-C-T.
Other names: c.893C>T (LRG_380t1); short protein forms S298L.
Identifiers: ClinVar variation 66423 (VCV000066423.30), dbSNP rs62636491, ClinGen allele CA217093.

ClinVar aggregate classification (germline): Conflicting classifications of pathogenicity. Review status: criteria provided, conflicting classifications (1 of 4 stars). 16 submissions from 14 submitters: Uncertain significance (12); Benign (2). 2 of the submissions do not count toward it. Last evaluated 2026-01-28.

Conditions:
DES-related disorder. Also called: DES-related condition.
Cardiovascular phenotype. Identifiers: MedGen CN230736.
Desmin-related myofibrillar myopathy (MFM1). Also called: Desmin related myopathy (former name); Desmin storage myopathy (former name); Myofibrillar myopathy 1; Desminopathy; MYOFIBRILLAR MYOPATHY WITH ARRHYTHMOGENIC RIGHT VENTRICULAR CARDIOMYOPATHY; DESMIN-RELATED MYOPATHY WITH ARRHYTHMOGENIC RIGHT VENTRICULAR CARDIOMYOPATHY. Identifiers: Orphanet 363543, Orphanet 98909, MedGen C1832370, MONDO:0011076, OMIM 601419.
Cardiomyopathy (CMYO). Also called: Cardiomyopathies. Identifiers: Orphanet 167848, MedGen C0878544, MONDO:0004994, HP:0001638. Inheritance: Various modes of inheritance.
Dilated cardiomyopathy 1I (CMD1I). Identifiers: Orphanet 154, MedGen C1858154, MONDO:0011482, OMIM 604765.
Neurogenic scapuloperoneal syndrome, Kaeser type (SCPNK). Also called: KAESER SYNDROME. Identifiers: Orphanet 85146, MedGen C1867005, MONDO:0008407, OMIM 181400.
Primary dilated cardiomyopathy (DCM). Also called: Dilated Cardiomyopathy. Identifiers: Orphanet 217604, MedGen C0007193, MeSH D002311, MONDO:0005021, HP:0001644. Inheritance: Various modes of inheritance.

Allele frequency attached by ClinVar (database versions not stated): ExAC 0.00008; gnomAD exomes 0.00008; gnomAD 0.00013 and 0.00014; TOPMed 0.00017; ESP Exome Variant Server 0.00023.
gnomAD v4.1: 287 of 1,613,856 alleles (0.018%); highest among the groups gnomAD compares: Non-Finnish European, 0.023%; no homozygotes.

Submissions (16):

Labcorp Genetics (formerly Invitae), Labcorp
Classification: Uncertain significance for Desmin-related myofibrillar myopathy. Last evaluated: 2026-01-28. Review status: criteria provided, single submitter. Criteria: Invitae Variant Classification Sherloc (09022015). Collection method: clinical testing. Allele origin: germline.
Comment: This sequence change replaces serine, which is neutral and polar, with leucine, which is neutral and non-polar, at codon 298 of the DES protein (p.Ser298Leu). This variant is present in population databases (rs62636491, gnomAD 0.03%). This missense change has been observed in individual(s) with dilated cardiomyopathy (PMID: 17325244, 23861362). ClinVar contains an entry for this variant (Variation ID: 66423). Invitae Evidence Modeling of protein sequence and biophysical properties (such as structural, functional, and spatial information, amino acid conservation, physicochemical variation, residue mobility, and thermodynamic stability) has been performed for this missense variant. However, the output from this modeling did not meet the statistical confidence thresholds required to predict the impact of this variant on DES protein function. In summary, the available evidence is currently insufficient to determine the role of this variant in disease. Therefore, it has been classified as a Variant of Uncertain Significance.

PreventionGenetics, part of Exact Sciences
Classification: Uncertain significance for DES-related condition. Last evaluated: 2026-01-26. Review status: criteria provided, single submitter. Criteria: ACMG Guidelines, 2015. Collection method: clinical testing. Allele origin: germline.
Comment: The DES c.893C>T variant is predicted to result in the amino acid substitution p.Ser298Leu. This variant has been reported in individuals with dilated cardiomyopathy (Taylor et al. 2007. PubMed ID: 17325244; Table S3, Ng et al. 2013. PubMed ID: 23861362). Experimental studies indicate this variant impacts protein function (Taylor et al. 2007. PubMed ID: 17325244). This variant is reported in 0.024% of alleles in individuals of African descent in gnomAD. At this time, the clinical significance of this variant is uncertain due to the absence of conclusive functional and genetic evidence.

Ambry Genetics
Classification: Uncertain significance for Cardiovascular phenotype. Last evaluated: 2025-08-14. Review status: criteria provided, single submitter. Criteria: Ambry Variant Classification Scheme 2023. Collection method: clinical testing. Allele origin: germline.

Molecular Diagnostic Laboratory for Inherited Cardiovascular Disease, Montreal Heart Institute
Classification: Uncertain significance for Cardiovascular phenotype. Last evaluated: 2025-04-09. Review status: criteria provided, single submitter. Criteria: ACMG Guidelines, 2015. Collection method: clinical testing. Allele origin: germline. Affected: yes.
Comment: PS3_supp, PP3

Blueprint Genetics
Classification: Uncertain significance. Last evaluated: 2024-10-01. Review status: criteria provided, single submitter. Criteria: ACMG Guidelines, 2015. Collection method: clinical testing. Allele origin: germline.

Dasa
Classification: Uncertain significance. Last evaluated: 2024-05-06. Review status: criteria provided, single submitter. Criteria: DASA Assertion Criteria. Collection method: clinical testing. Allele origin: germline.
Comment: NM_001927.4(DES):c.893C>T (p.Ser298Leu) is a missense variant that results in the substitution of serine with leucine. The affected residue or protein region has prior evidence supporting clinical relevance. This variant has been recurrently observed in individuals with DES-related disorders (PMID: 23861362; PMID: 32093415; PMID: 17325244). Functional evidence supports an impact on the gene or gene product (PMID: 17325244). Also, this variant is rare in population databases. The currently available literature and clinical evidence are not sufficient to establish a definitive association between this variant and the reported condition. Therefore, this variant is classified as a variant of uncertain significance.

Revvity Omics, Revvity
Classification: Uncertain significance. Last evaluated: 2022-08-19. Review status: criteria provided, single submitter. Criteria: ACMG Guidelines, 2015. Collection method: clinical testing. Allele origin: germline.

Athena Diagnostics
Classification: Uncertain significance. Last evaluated: 2020-03-18. Review status: criteria provided, single submitter. Criteria: Athena Diagnostics Criteria. Collection method: clinical testing. Allele origin: unknown.

GeneDx
Classification: Uncertain significance. Last evaluated: 2019-04-11. Review status: criteria provided, single submitter. Criteria: GeneDx Variant Classification Process June 2021. Collection method: clinical testing. Allele origin: germline. Affected: yes.
Comment: Reported previously in a patient with DCM but no reported myopathy; however segregation data were not provided (Taylor et al., 2007); Functional studies show disruption of desmin filament assembly in the presence of the S298L variant (Taylor et al., 2007); In silico analysis, which includes protein predictors and evolutionary conservation, supports a deleterious effect; This variant is associated with the following publications: (PMID: 30564623, 23299917, 23861362, 17325244, 23143191, 22337857, 20474083, 27896284, 29926427)

Biesecker Lab/Clinical Genomics Section, National Institutes of Health
Classification: Uncertain significance for Primary dilated cardiomyopathy. Last evaluated: 2018-04-05. Review status: criteria provided, single submitter. Criteria: ACMG Guidelines, 2015. Collection method: research. Allele origin: unknown. Affected: no. Observed: 1 variant allele.
Comment: The study set was not selected for affection status in relation to arrhythmia or cardiomyopathy. Pathogenicity categories were based on literature curation. See Pubmed ID:25741868 for details.

Medical sequencing

Illumina Laboratory Services, Illumina
Classification: Uncertain significance for Dilated cardiomyopathy 1I. Last evaluated: 2017-04-27. Review status: criteria provided, single submitter. Criteria: ICSL Variant Classification Criteria 13 December 2019. Collection method: clinical testing. Allele origin: germline.
Comment: This variant was observed as part of a predisposition screen in an ostensibly healthy population. A literature search was performed for the gene, cDNA change, and amino acid change (where applicable). Publications were found based on this search. However, the evidence from the literature, in combination with allele frequency data from public databases where available, was not sufficient to rule this variant in or out of causing disease. Therefore, this variant is classified as a variant of unknown significance.

Illumina Laboratory Services, Illumina
Classification: Benign for Myofibrillar myopathy 1. Last evaluated: 2017-04-27. Review status: criteria provided, single submitter. Criteria: ICSL Variant Classification Criteria 13 December 2019. Collection method: clinical testing. Allele origin: germline.
Comment: This variant was observed as part of a predisposition screen in an ostensibly healthy population. A literature search was performed for the gene, cDNA change, and amino acid change (where applicable). No publications were found based on this search. Allele frequency data from public databases was too high to be consistent with this variant causing disease. Therefore, this variant is classified as benign.

Illumina Laboratory Services, Illumina
Classification: Benign for Neurogenic scapuloperoneal syndrome, Kaeser type. Last evaluated: 2017-04-27. Review status: criteria provided, single submitter. Criteria: ICSL Variant Classification Criteria 13 December 2019. Collection method: clinical testing. Allele origin: germline.
Comment: the same text as in the submission from Illumina Laboratory Services, Illumina above.

Eurofins Ntd Llc (ga)
Classification: Uncertain significance. Last evaluated: 2015-09-11. Review status: criteria provided, single submitter. Criteria: EGL Classification Definitions 2015. Collection method: clinical testing. Allele origin: germline. Observed: 3 variant alleles, 3 heterozygotes.

Clinical Molecular Genetics Laboratory, Johns Hopkins All Children's Hospital
Classification: Likely pathogenic for Cardiomyopathy. Last evaluated: 2019-01-03. Review status: no assertion criteria provided. Collection method: clinical testing. Allele origin: germline. Inheritance: Autosomal dominant inheritance. Affected: yes. Observed: 1 heterozygote. Not counted in ClinVar's aggregate classification.

Epithelial Biology;  Institute of Medical Biology, Singapore
No classification provided. Review status: no classification provided. Collection method: not provided. Allele origin: not provided. Not counted in ClinVar's aggregate classification.

Literature cited by the submitters: PubMed 17325244 (cited by 4 submitters); PubMed 23861362 (cited by 3 submitters); PubMed 32093415 (cited by Dasa and Athena Diagnostics); PubMed 29926427 (cited by Athena Diagnostics).